The following is an entry in ClinVar:

NM_022124.6(CDH23):c.311A>G (p.Glu104Gly)

Genes: CDH23 (cadherin related 23; plus strand), CDH23-AS1 (CDH23 antisense RNA 1; minus strand). Cytogenetic location: 10q22.1.
Variant type: single nucleotide variant.
Coding change: c.311A>G on transcript NM_022124.6 (MANE Select); coding-DNA position 311, A replaced by G.
Protein change: p.Glu104Gly; replaces glutamic acid 104 with glycine.
Molecular consequence: missense variant.
Genome position (GRCh38, 1-based): chr10:71,510,976, A>G. VCF-style: chr10-71510976-A-G. GRCh37 (hg19) VCF-style: chr10-73270733-A-G.
Other names: c.311A>G, p.Glu104Gly (NM_001171930.2, NM_001171931.2, NM_001171932.2 and 1 more transcripts); c.311A>G (NM_022124.5); short protein forms E104G.
Identifiers: ClinVar variation 1400139 (VCV001400139.7), dbSNP rs372335230, ClinGen allele CA5543373.
Genomic context (GRCh38, chr10:71,510,976, plus strand): 5'-GCCTAACTGCCCCCCTCCCTCTCTCACTTTTCTTTCAGACCAAGTCAGAGTTCACCGTGG[A>G]GTTCTCTGTCAGCGACCACCAGGGGGTGAGTGTTCCCTGGGGCCCTGGAGGCATGTTCCT-3'
Protein context (NP_071407.4, residues 94-114): DRETKSEFTV[Glu104Gly]FSVSDHQGVI

ClinVar aggregate classification (germline): Uncertain significance. Review status: criteria provided, multiple submitters, no conflicts (2 of 4 stars). 2 submissions from 2 submitters: Uncertain significance (2). Last evaluated 2025-05-25.

Conditions:
Inborn genetic diseases. Identifiers: MedGen C0950123, MeSH D030342.

Allele frequency attached by ClinVar (database versions not stated): gnomAD exomes below 0.00001 and 0.00002; gnomAD 0.00001; TOPMed 0.00003; ESP Exome Variant Server 0.00017; ExAC 0.00002.
gnomAD v4.1: 4 of 1,613,518 alleles (0.00025%); highest among the groups gnomAD compares: Non-Finnish European, 0.00034%; no homozygotes.

Submissions (2):

Ambry Genetics
Classification: Uncertain significance for Inborn genetic diseases. Last evaluated: 2025-05-25. Review status: criteria provided, single submitter. Criteria: Ambry Variant Classification Scheme 2023. Collection method: clinical testing. Allele origin: germline.

Labcorp Genetics (formerly Invitae), Labcorp
Classification: Uncertain significance. Last evaluated: 2021-09-24. Review status: criteria provided, single submitter. Criteria: Invitae Variant Classification Sherloc (09022015). Collection method: clinical testing. Allele origin: germline.
Comment: This sequence change replaces glutamic acid with glycine at codon 104 of the CDH23 protein (p.Glu104Gly). The glutamic acid residue is highly conserved and there is a moderate physicochemical difference between glutamic acid and glycine. This variant is present in population databases (rs372335230, ExAC 0.004%). This variant has not been reported in the literature in individuals with CDH23-related disease. In summary, the available evidence is currently insufficient to determine the role of this variant in disease. Therefore, it has been classified as a Variant of Uncertain Significance.